The following is an entry in ClinVar:

NM_001165963.4(SCN1A):c.5426A>G (p.Tyr1809Cys)

Genes: SCN1A (sodium voltage-gated channel alpha subunit 1; minus strand), LOC102724058 (uncharacterized LOC102724058; plus strand). Cytogenetic location: 2q24.3.
Variant type: single nucleotide variant.
Coding change: c.5426A>G on transcript NM_001165963.4 (MANE Select); coding-DNA position 5426, A replaced by G.
Protein change: p.Tyr1809Cys; replaces tyrosine 1809 with cysteine.
Molecular consequence: missense variant. On other transcripts: non-coding transcript variant (1).
Genome position (GRCh38, 1-based): chr2:165,991,849, T>C on the plus strand (A>G on the coding strand, the complement: SCN1A is on the minus strand). VCF-style: chr2-165991849-T-C. GRCh37 (hg19) VCF-style: chr2-166848359-T-C.
Other names: c.5342A>G, p.Tyr1781Cys (NM_001165964.3, NM_001353957.2, NM_001353958.2); c.5426A>G, p.Tyr1809Cys (NM_001202435.3, NM_001353948.2); c.5393A>G, p.Tyr1798Cys (NM_001353949.2, NM_001353950.2, NM_001353951.2 and 2 more transcripts); c.5390A>G, p.Tyr1797Cys (NM_001353954.2, NM_001353955.2); c.5339A>G, p.Tyr1780Cys (NM_001353960.2); c.2984A>G, p.Tyr995Cys (NM_001353961.2); short protein forms Y1780C, Y1781C, Y1797C, Y1798C, Y1809C, Y995C.
Identifiers: ClinVar variation 1302930 (VCV001302930.2), dbSNP rs1260877885, ClinGen allele CA349067641.
Genomic context (GRCh38, chr2:165,991,849, plus strand): 5'-GATAATTTTTCAAATTCCATGAACTGAGTTGCATCGGGATCAAACTTCTCCCAAACCTCA[T>C]AGAACATCTCAAAGTCATCCTCACTCAGAGGCTCTGCACTTTCTTCAGTAGCAACACTGA-3'
Protein context (NP_001159435.1, residues 1799-1819): PLSEDDFEMF[Tyr1809Cys]EVWEKFDPDA

ClinVar aggregate classification (germline): Uncertain significance (1 of 4 stars; one submission).

Allele frequency attached by ClinVar (database versions not stated): TOPMed below 0.00001; gnomAD exomes below 0.00001.
gnomAD v4.1: 2 of 1,613,950 alleles (0.00012%); highest among the groups gnomAD compares: African/African-American, 0.0013%; no homozygotes.

Submission:

GeneDx
Classification: Uncertain significance. Last evaluated: 2019-08-12. Review status: criteria provided, single submitter. Criteria: GeneDx Variant Classification Process June 2021. Collection method: clinical testing. Allele origin: germline. Affected: yes.
Comment: The majority of missense variants in this gene are considered pathogenic (Stenson et al., 2014); In silico analysis, which includes protein predictors and evolutionary conservation, supports a deleterious effect; Has not been previously published as pathogenic or benign to our knowledge